The following is an entry in ClinVar:

ClinVar aggregate classification (germline): Uncertain significance (1 of 4 stars; one submission).

Conditions:
Progressive microcephaly-seizures-cortical blindness-developmental delay syndrome. Also called: Seizures, cortical blindness, and microcephaly syndrome. Identifiers: Orphanet 477814, MedGen C5567650, MONDO:0014714, OMIM 616632.
Autosomal dominant nonsyndromic hearing loss 1. Also called: KONIGSMARK SYNDROME; DEAFNESS, AUTOSOMAL DOMINANT 1, WITH OR WITHOUT THROMBOCYTOPENIA. Identifiers: Orphanet 90635, MedGen C1852282, MONDO:0007424, OMIM 124900.

Allele frequency attached by ClinVar (database versions not stated): gnomAD 0.00001; TOPMed 0.00001.
gnomAD v4.1: 2 of 1,613,980 alleles (0.00012%); highest among the groups gnomAD compares: Non-Finnish European, 0.000085%; no homozygotes.

Submission:

Labcorp Genetics (formerly Invitae), Labcorp
Classification: Uncertain significance for Progressive microcephaly-seizures-cortical blindness-developmental delay syndrome; Autosomal dominant nonsyndromic hearing loss 1. Last evaluated: 2024-10-28. Review status: criteria provided, single submitter. Criteria: Invitae Variant Classification Sherloc (09022015). Collection method: clinical testing. Allele origin: germline.
Comment: This sequence change replaces alanine, which is neutral and non-polar, with valine, which is neutral and non-polar, at codon 939 of the DIAPH1 protein (p.Ala939Val). This variant is not present in population databases (gnomAD no frequency). This variant has not been reported in the literature in individuals affected with DIAPH1-related conditions. ClinVar contains an entry for this variant (Variation ID: 1014668). An algorithm developed to predict the effect of missense changes on protein structure and function (PolyPhen-2) suggests that this variant is likely to be disruptive. In summary, the available evidence is currently insufficient to determine the role of this variant in disease. Therefore, it has been classified as a Variant of Uncertain Significance.

NM_005219.5(DIAPH1):c.2816C>T (p.Ala939Val)

Gene: DIAPH1 (diaphanous related formin 1; minus strand). Cytogenetic location: 5q31.3.
Variant type: single nucleotide variant.
Coding change: c.2816C>T on transcript NM_005219.5 (MANE Select); coding-DNA position 2816, C replaced by T.
Protein change: p.Ala939Val; replaces alanine 939 with valine.
Molecular consequence: missense variant.
Genome position (GRCh38, 1-based): chr5:141,528,904, G>A on the plus strand (C>T on the coding strand, the complement: DIAPH1 is on the minus strand). VCF-style: chr5-141528904-G-A. GRCh37 (hg19) VCF-style: chr5-140908471-G-A.
Other names: c.2789C>T, p.Ala930Val (NM_001079812.3); c.2816C>T, p.Ala939Val (NM_001314007.2); short protein forms A930V, A939V.
Identifiers: ClinVar variation 1014668 (VCV001014668.9), dbSNP rs2099887790, ClinGen allele CA361585343.